The following is an entry in ClinVar:

ClinVar aggregate classification (germline): Uncertain significance (1 of 4 stars; one submission).

Submission:

Labcorp Genetics (formerly Invitae), Labcorp
Classification: Uncertain significance. Last evaluated: 2022-05-20. Review status: criteria provided, single submitter. Criteria: Invitae Variant Classification Sherloc (09022015). Collection method: clinical testing. Allele origin: germline.
Comment: In summary, the available evidence is currently insufficient to determine the role of this variant in disease. Therefore, it has been classified as a Variant of Uncertain Significance. Algorithms developed to predict the effect of missense changes on protein structure and function (SIFT, PolyPhen-2, Align-GVGD) all suggest that this variant is likely to be tolerated. This variant has not been reported in the literature in individuals affected with PRPF8-related conditions. This variant is not present in population databases (gnomAD no frequency). This sequence change replaces glycine, which is neutral and non-polar, with aspartic acid, which is acidic and polar, at codon 11 of the PRPF8 protein (p.Gly11Asp).

NM_006445.4(PRPF8):c.32G>A (p.Gly11Asp)

Gene: PRPF8 (pre-mRNA processing factor 8; minus strand). Cytogenetic location: 17p13.3.
Variant type: single nucleotide variant.
Coding change: c.32G>A on transcript NM_006445.4 (MANE Select); coding-DNA position 32, G replaced by A.
Protein change: p.Gly11Asp; replaces glycine 11 with aspartic acid.
Molecular consequence: missense variant.
Genome position (GRCh38, 1-based): chr17:1,684,540, C>T on the plus strand (G>A on the coding strand, the complement: PRPF8 is on the minus strand). VCF-style: chr17-1684540-C-T. GRCh37 (hg19) VCF-style: chr17-1587834-C-T.
Other names: short protein forms G11D.
Identifiers: ClinVar variation 1996802 (VCV001996802.4), dbSNP rs1913131406, ClinGen allele CA397572498.